The following is an entry in ClinVar:

NC_000010.10:g.(?_13325670)_(13330561_?)del

Gene: PHYH (phytanoyl-CoA 2-hydroxylase; minus strand). Cytogenetic location: 10p13.
Variant type: Deletion.
Identifiers: ClinVar variation 3244982 (VCV003244982.1).

ClinVar aggregate classification (germline): Pathogenic (1 of 4 stars; one submission).

Submission:

Labcorp Genetics (formerly Invitae), Labcorp
Classification: Pathogenic. Last evaluated: 2023-11-05. Review status: criteria provided, single submitter. Criteria: Invitae Variant Classification Sherloc (09022015). Collection method: clinical testing. Allele origin: unknown.
Comment: This variant is a gross deletion of the genomic region encompassing exon(s) 6-7 of the PHYH gene. This deletion is out-of-frame, and is expected to create a premature termination codon and result in an absent or disrupted protein product. Loss-of-function variants in PHYH are known to be pathogenic (PMID: 9326940, 14974078). This variant has not been reported in the literature in individuals affected with PHYH-related conditions. For these reasons, this variant has been classified as Pathogenic.

Literature cited by the submitters: PubMed 9326940; PubMed 14974078.